The following is an entry in ClinVar:

ClinVar aggregate classification (germline): Uncertain significance (1 of 4 stars; one submission).

Submission:

Labcorp Genetics (formerly Invitae), Labcorp
Classification: Uncertain significance. Last evaluated: 2026-01-19. Review status: criteria provided, single submitter. Criteria: Invitae Variant Classification Sherloc (09022015). Collection method: clinical testing. Allele origin: germline.
Comment: This sequence change replaces asparagine, which is neutral and polar, with serine, which is neutral and polar, at codon 386 of the XPC protein (p.Asn386Ser). This variant is not present in population databases (gnomAD no frequency). This variant has not been reported in the literature in individuals affected with XPC-related conditions. Invitae Evidence Modeling of protein sequence and biophysical properties (such as structural, functional, and spatial information, amino acid conservation, physicochemical variation, residue mobility, and thermodynamic stability) indicates that this missense variant is not expected to disrupt XPC protein function with a negative predictive value of 80%. In summary, the available evidence is currently insufficient to determine the role of this variant in disease. Therefore, it has been classified as a Variant of Uncertain Significance.

NM_004628.5(XPC):c.1157A>G (p.Asn386Ser)

Gene: XPC (XPC complex subunit, DNA damage recognition and repair factor; minus strand). Cytogenetic location: 3p25.1.
Variant type: single nucleotide variant.
Coding change: c.1157A>G on transcript NM_004628.5 (MANE Select); coding-DNA position 1157, A replaced by G.
Protein change: p.Asn386Ser; replaces asparagine 386 with serine.
Molecular consequence: missense variant. On other transcripts: non-coding transcript variant (2).
Genome position (GRCh38, 1-based): chr3:14,158,726, T>C on the plus strand (A>G on the coding strand, the complement: XPC is on the minus strand). VCF-style: chr3-14158726-T-C. GRCh37 (hg19) VCF-style: chr3-14200226-T-C.
Other names: c.578A>G, p.Asn193Ser (NM_001354726.2); c.1157A>G, p.Asn386Ser (NM_001354727.2, NM_001354730.2); c.1139A>G, p.Asn380Ser (NM_001354729.2); short protein forms N193S, N380S, N386S.
Identifiers: ClinVar variation 4740955 (VCV004740955.1).